The following is an entry in ClinVar:

ClinVar aggregate classification (germline): Uncertain significance (1 of 4 stars; one submission).

Allele frequency attached by ClinVar (database versions not stated): TOPMed below 0.00001.

Submission:

Labcorp Genetics (formerly Invitae), Labcorp
Classification: Uncertain significance. Last evaluated: 2022-07-30. Review status: criteria provided, single submitter. Criteria: Invitae Variant Classification Sherloc (09022015). Collection method: clinical testing. Allele origin: germline.
Comment: In summary, the available evidence is currently insufficient to determine the role of this variant in disease. Therefore, it has been classified as a Variant of Uncertain Significance. Algorithms developed to predict the effect of missense changes on protein structure and function output the following: SIFT: "Tolerated"; PolyPhen-2: "Benign"; Align-GVGD: "Class C0". The lysine amino acid residue is found in multiple mammalian species, which suggests that this missense change does not adversely affect protein function. This variant has not been reported in the literature in individuals affected with RP1-related conditions. This variant is not present in population databases (gnomAD no frequency). This sequence change replaces arginine, which is basic and polar, with lysine, which is basic and polar, at codon 1977 of the RP1 protein (p.Arg1977Lys).

NM_006269.2(RP1):c.5930G>A (p.Arg1977Lys)

Genes: RP1 (RP1 axonemal microtubule associated; plus strand), LOC126860392 (CDK7 strongly-dependent group 2 enhancer GRCh37_chr8:55541319-55542518; plus strand). Cytogenetic location: 8q12.1.
Variant type: single nucleotide variant.
Coding change: c.5930G>A on transcript NM_006269.2 (MANE Select); coding-DNA position 5930, G replaced by A.
Protein change: p.Arg1977Lys; replaces arginine 1977 with lysine.
Molecular consequence: missense variant. On other transcripts: intron variant (1).
Genome position (GRCh38, 1-based): chr8:54,629,812, G>A. VCF-style: chr8-54629812-G-A. GRCh37 (hg19) VCF-style: chr8-55542372-G-A.
Other names: c.787+7524G>A (NM_001375654.1); short protein forms R1977K.
Identifiers: ClinVar variation 1714444 (VCV001714444.6), dbSNP rs1806200056, ClinGen allele CA370988550.